The following is an entry in ClinVar:

ClinVar aggregate classification (germline): Likely benign. Review status: criteria provided, multiple submitters, no conflicts (2 of 4 stars). 2 submissions from 2 submitters: Likely benign (2). Last evaluated 2025-12-08.

Conditions:
Joubert syndrome. Also called: Familial aplasia of the vermis; JOUBERT-BOLTSHAUSER SYNDROME. Identifiers: Orphanet 475, MedGen C5979921, MONDO:0018772.
INPP5E-related disorder. Also called: INPP5E-related condition.

Allele frequency attached by ClinVar (database versions not stated): gnomAD exomes below 0.00001; ExAC 0.00001.
gnomAD v4.1: 2 of 1,610,204 alleles (0.00012%); highest among the groups gnomAD compares: South Asian, 0.0022%; no homozygotes.

Submissions (2):

PreventionGenetics, part of Exact Sciences
Classification: Likely benign for INPP5E-related condition. Last evaluated: 2025-12-08. Review status: criteria provided, single submitter. Criteria: ACMG Guidelines, 2015. Collection method: clinical testing. Allele origin: germline.
Comment: This variant is classified as likely benign based on ACMG/AMP sequence variant interpretation guidelines (Richards et al. 2015 PMID: 25741868, with internal and published modifications).

Labcorp Genetics (formerly Invitae), Labcorp
Classification: Likely benign for Joubert syndrome. Last evaluated: 2025-01-27. Review status: criteria provided, single submitter. Criteria: Invitae Variant Classification Sherloc (09022015). Collection method: clinical testing. Allele origin: germline.

NM_019892.6(INPP5E):c.1011G>A (p.Gly337=)

Gene: INPP5E (inositol polyphosphate-5-phosphatase E; minus strand). Cytogenetic location: 9q34.3.
Variant type: single nucleotide variant.
Coding change: c.1011G>A on transcript NM_019892.6 (MANE Select); coding-DNA position 1011, G replaced by A.
Protein change: p.Gly337=; no amino-acid change (glycine 337 retained).
Molecular consequence: synonymous variant.
Genome position (GRCh38, 1-based): chr9:136,434,060, C>T on the plus strand (G>A on the coding strand, the complement: INPP5E is on the minus strand). VCF-style: chr9-136434060-C-T. GRCh37 (hg19) VCF-style: chr9-139328512-C-T.
Other names: c.1011G>A, p.Gly337= (NM_001318502.2); c.1011G>A (NM_019892.5).
Identifiers: ClinVar variation 2051235 (VCV002051235.5), dbSNP rs755772230, ClinGen allele CA5336994.
Genomic context (GRCh38, chr9:136,434,060, plus strand): 5'-CCCTGGGCAGGCACTGCAGGGCCTGCAGCCGCCCTACCTGTCAGAACAGCCCTCCTGGAC[C>T]CCGATGACATACAGGTCCTGGGCATAGTCGGCCTCGGCTGGGAGCAGGAACTCGTCCAGG-3'
Protein context (NP_063945.2, residues 327-347): ADYAQDLYVI[Gly337=]VQEGCSDRRE